The following is an entry in ClinVar:

ClinVar aggregate classification (germline): Pathogenic. Review status: criteria provided, single submitter (1 of 4 stars). 3 submissions from 3 submitters: Pathogenic (1). 2 of the submissions do not count toward it. Last evaluated 2025-05-09.

Conditions:
Ornithine aminotransferase deficiency (GACR). Also called: OAT DEFICIENCY; Ornithine ketoacid aminotransferase deficiency; Gyrate atrophy; Gyrate atrophy of choroid and retina; Girate atrophy of the retina; HYPERORNITHINEMIA WITH GYRATE ATROPHY OF CHOROID AND RETINA. Identifiers: Orphanet 414, MedGen C0018425, MONDO:0009796, OMIM 258870.

Submissions (3):

Natera, Inc.
Classification: Pathogenic for Gyrate atrophy. Last evaluated: 2025-05-09. Review status: criteria provided, single submitter. Criteria: Natera Variant Classification Schema (03/2026). Collection method: clinical testing. Allele origin: germline.
Comment: The c.425-4_429del variant in OAT is a deletion affecting a canonical splice acceptor site. This variant is expected to result in nonsense mediated decay, truncation, or a dysfunctional protein product. This variant is rare in the general population with a frequency below the threshold expected for the associated phenotype(s). Functional studies show that this variant may disrupt protein function (PMID: 2220818). Another variant at this same site results in an alteration predicted to cause a similar molecular effect has been observed in individual(s) with the associated phenotype. Given the available evidence, this variant is classified as Pathogenic.

OMIM
Classification: Pathogenic for GYRATE ATROPHY OF CHOROID AND RETINA. Last evaluated: 1990-11-01. Review status: no assertion criteria provided. Collection method: literature only. Allele origin: germline. Not counted in ClinVar's aggregate classification.

Juha Muilu Group; Institute for Molecular Medicine Finland (FIMM)
Classification: Likely pathogenic for Ornithine aminotransferase deficiency. Review status: no assertion criteria provided. Collection method: not provided. Allele origin: unknown. Not counted in ClinVar's aggregate classification.
Comment: FinDis database variant: This variant was not found or characterized by our laboratory, data were collected from public sources: see reference
ClinVar note: Converted during submission from probable-pathogenic to Likely pathogenic.

Literature cited by the submitters: PubMed 2220818 (cited by Natera, Inc. and OMIM); McClatchey, A. I., Kaufmann, D. L., Tobin, A. J., Shih, V. E., Berson, E. L., Gusella, J. F., Ramesh, V. Deletion in the OAT gene causes RNA splicing defect and results in gyrate atrophy. (Abstract) Am. J. Hum. Genet. 45: A206-only, 1989. (cited by OMIM).

NM_000274.4(OAT):c.425-4_429del

Gene: OAT (ornithine aminotransferase; minus strand). Cytogenetic location: 10q26.13.
Variant type: Deletion.
Coding change: c.425-4_429del on transcript NM_000274.4 (MANE Select); 4 bases into the intron before coding-DNA position 425 through coding-DNA position 429, 9 bases deleted (ATAGGAGTG; older notation c.425-4_429delATAGGAGTG).
Molecular consequence: splice acceptor variant. On other transcripts: intron variant (1).
Genome position (GRCh38, 1-based): chr10:124,408,633-124,408,641, CACTCCTAT deleted on the plus strand (ATAGGAGTG on the coding strand, the reverse complement: OAT is on the minus strand); deleting any 9 consecutive bases within chr10:124,408,633-124,408,643 gives the same sequence; the c. name uses the placement nearest the transcript's 3' end. VCF-style (leftmost placement, unchanged base first): chr10-124408632-CCACTCCTAT-C. GRCh37 (hg19) VCF-style: chr10-126097201-CCACTCCTAT-C.
Other names: EX5DEL; c.425-4_429del (NM_001322965.2, NM_001322969.2, NM_001322966.2 and 4 more transcripts); c.11-4_15del (NM_001171814.2); c.-290-4_-286del (NM_001322974.2); c.200-3078_200-3070del (NM_001322971.2).
Identifiers: ClinVar variation 165 (VCV000000165.4), dbSNP rs386833609, ClinGen allele CA113968.